The following is an entry in ClinVar:

ClinVar aggregate classification (germline): Uncertain significance (1 of 4 stars; one submission).

Submission:

GeneDx
Classification: Uncertain significance. Last evaluated: 2025-08-05. Review status: criteria provided, single submitter. Criteria: GeneDx Variant Classification Process June 2021. Collection method: clinical testing. Allele origin: germline. Affected: yes.
Comment: Not observed at significant frequency in large population cohorts (gnomAD); In silico analysis suggests that this missense variant does not alter protein structure/function; Has not been previously published as pathogenic or benign to our knowledge

NM_005654.6(NR2F1):c.116A>C (p.Glu39Ala)

Genes: NR2F1-AS1 (NR2F1 regulatory antisense RNA 1; minus strand), NR2F1 (nuclear receptor subfamily 2 group F member 1; plus strand). Cytogenetic location: 5q15.
Variant type: single nucleotide variant.
Coding change: c.116A>C on transcript NM_005654.6 (MANE Select); coding-DNA position 116, A replaced by C.
Protein change: p.Glu39Ala; replaces glutamic acid 39 with alanine.
Molecular consequence: missense variant.
Genome position (GRCh38, 1-based): chr5:93,585,139, A>C. VCF-style: chr5-93585139-A-C. GRCh37 (hg19) VCF-style: chr5-92920845-A-C.
Other names: short protein forms E39A.
Identifiers: ClinVar variation 4755716 (VCV004755716.1).